The following is an entry in ClinVar:

ClinVar aggregate classification (germline): Uncertain significance (1 of 4 stars; one submission).

Conditions:
H syndrome. Also called: FAISALABAD HISTIOCYTOSIS; HISTIOCYTOSIS AND LYMPHADENOPATHY WITH OR WITHOUT CUTANEOUS, CARDIAC, AND/OR ENDOCRINE FEATURES, JOINT CONTRACTURES, AND/OR DEAFNESS; HYPERPIGMENTATION, CUTANEOUS, WITH HYPERTRICHOSIS, HEPATOSPLENOMEGALY, HEART ANOMALIES, AND HYPOGONADISM WITH OR WITHOUT HEARING LOSS; PIGMENTED HYPERTRICHOSIS WITH INSULIN-DEPENDENT DIABETES MELLITUS; ROSAI-DORFMAN DISEASE, FAMILIAL; SINUS HISTIOCYTOSIS AND MASSIVE LYMPHADENOPATHY. Identifiers: Orphanet 168569, MedGen C1864445, MONDO:0011273, OMIM 602782.

Submission:

Labcorp Genetics (formerly Invitae), Labcorp
Classification: Uncertain significance for H syndrome. Last evaluated: 2023-08-04. Review status: criteria provided, single submitter. Criteria: Invitae Variant Classification Sherloc (09022015). Collection method: clinical testing. Allele origin: germline.
Comment: In summary, the available evidence is currently insufficient to determine the role of this variant in disease. Therefore, it has been classified as a Variant of Uncertain Significance. This sequence change replaces serine, which is neutral and polar, with arginine, which is basic and polar, at codon 176 of the SLC29A3 protein (p.Ser176Arg). This variant is not present in population databases (gnomAD no frequency). This variant has not been reported in the literature in individuals affected with SLC29A3-related conditions. ClinVar contains an entry for this variant (Variation ID: 1989007). Advanced modeling of protein sequence and biophysical properties (such as structural, functional, and spatial information, amino acid conservation, physicochemical variation, residue mobility, and thermodynamic stability) performed at Invitae indicates that this missense variant is not expected to disrupt SLC29A3 protein function.

NM_018344.6(SLC29A3):c.526A>C (p.Ser176Arg)

Gene: SLC29A3 (solute carrier family 29 member 3; plus strand). Cytogenetic location: 10q22.1.
Variant type: single nucleotide variant.
Coding change: c.526A>C on transcript NM_018344.6 (MANE Select); coding-DNA position 526, A replaced by C.
Protein change: p.Ser176Arg; replaces serine 176 with arginine.
Molecular consequence: missense variant. On other transcripts: non-coding transcript variant (1).
Genome position (GRCh38, 1-based): chr10:71,351,704, A>C. VCF-style: chr10-71351704-A-C. GRCh37 (hg19) VCF-style: chr10-73111461-A-C.
Other names: c.526A>C, p.Ser176Arg (NM_001174098.2); c.292A>C, p.Ser98Arg (NM_001363518.2); short protein forms S176R, S98R.
Identifiers: ClinVar variation 1989007 (VCV001989007.4), dbSNP rs2492467852, ClinGen allele CA377109612.
Genomic context (GRCh38, chr10:71,351,704, plus strand): 5'-GACACTTCCTCCTGGACCCGTGGCTTTTTTGCGGTCACCATTGTCTGCATGGTGATCCTC[A>C]GCGGTGCCTCCACTGTCTTCAGCAGCAGCATCTACGGCATGACCGGCTCCTTTCCTATGA-3'
Protein context (NP_060814.4, residues 166-186): AVTIVCMVIL[Ser176Arg]GASTVFSSSI